The following is an entry in ClinVar:

ClinVar aggregate classification (germline): Uncertain significance (1 of 4 stars; one submission).

gnomAD v4.1: 5 of 1,614,062 alleles (0.00031%); highest among the groups gnomAD compares: South Asian, 0.0011%; no homozygotes.

Submission:

GeneDx
Classification: Uncertain significance. Last evaluated: 2022-04-01. Review status: criteria provided, single submitter. Criteria: GeneDx Variant Classification Process June 2021. Collection method: clinical testing. Allele origin: germline. Affected: yes.
Comment: Not observed at significant frequency in large population cohorts (gnomAD); In silico analysis supports that this missense variant does not alter protein structure/function; Has not been previously published as pathogenic or benign to our knowledge

NM_001378964.1(CDON):c.3472C>T (p.Pro1158Ser)

Gene: CDON (cell adhesion associated, oncogene regulated; minus strand). Cytogenetic location: 11q24.2.
Variant type: single nucleotide variant.
Coding change: c.3472C>T on transcript NM_001378964.1 (MANE Select); coding-DNA position 3472, C replaced by T.
Protein change: p.Pro1158Ser; replaces proline 1158 with serine.
Molecular consequence: missense variant.
Genome position (GRCh38, 1-based): chr11:125,961,883, G>A on the plus strand (C>T on the coding strand, the complement: CDON is on the minus strand). VCF-style: chr11-125961883-G-A. GRCh37 (hg19) VCF-style: chr11-125831778-G-A.
Other names: c.3472C>T, p.Pro1158Ser (NM_001243597.3, NM_016952.6); short protein forms P1158S.
Identifiers: ClinVar variation 1707981 (VCV001707981.2), dbSNP rs1293915017, ClinGen allele CA383213424.